The following is an entry in ClinVar:

ClinVar aggregate classification (germline): Likely benign (0 of 4 stars; one submission).

Conditions:
PLXNB1-related disorder. Also called: PLXNB1-related condition.

Allele frequency attached by ClinVar (database versions not stated): gnomAD 0.00007; TOPMed 0.00007; gnomAD exomes 0.00012; ExAC 0.00017.
gnomAD v4.1: 180 of 1,611,500 alleles (0.011%); highest among the groups gnomAD compares: Non-Finnish European, 0.0082%; no homozygotes.

Submission:

PreventionGenetics, part of Exact Sciences
Classification: Likely benign for PLXNB1-related condition. Last evaluated: 2020-01-16. Review status: no assertion criteria provided. Collection method: clinical testing. Allele origin: germline.
Comment: This variant is classified as likely benign based on ACMG/AMP sequence variant interpretation guidelines (Richards et al. 2015 PMID: 25741868, with internal and published modifications).

NM_001130082.3(PLXNB1):c.6303+6C>A

Gene: PLXNB1 (plexin B1; minus strand). Cytogenetic location: 3p21.31.
Variant type: single nucleotide variant.
Coding change: c.6303+6C>A on transcript NM_001130082.3 (MANE Select); 6 bases into the intron after coding-DNA position 6303, C replaced by A.
Molecular consequence: intron variant.
Genome position (GRCh38, 1-based): chr3:48,405,718, G>T on the plus strand (C>A on the coding strand, the complement: PLXNB1 is on the minus strand). VCF-style: chr3-48405718-G-T. GRCh37 (hg19) VCF-style: chr3-48447125-G-T.
Other names: c.6303+6C>A (NM_002673.6).
Identifiers: ClinVar variation 3051463 (VCV003051463.2), dbSNP rs759040898, ClinGen allele CA2373626.
Genomic context (GRCh38, chr3:48,405,718, plus strand): 5'-AGAGCCCCTTAAGTCTCCTGGGAGGCCTTGGGTCAGCCTCCCAGTCGGGGTCCAGGGCCT[G>T]CCCACCTGGTCATAGTACTTGTTGATGTACTTGTAGAGTTCATGCAGGGCCACTCGCGCC-3'